The following is an entry in ClinVar:

NM_001267550.2(TTN):c.35797G>A (p.Glu11933Lys)

Gene: TTN (titin; minus strand). Cytogenetic location: 2q31.2.
Variant type: single nucleotide variant.
Coding change: c.35797G>A on transcript NM_001267550.2 (MANE Select); coding-DNA position 35797, G replaced by A.
Protein change: p.Glu11933Lys; replaces glutamic acid 11933 with lysine.
Molecular consequence: missense variant. On other transcripts: intron variant (5).
Genome position (GRCh38, 1-based): chr2:178,667,236, C>T on the plus strand (G>A on the coding strand, the complement: TTN is on the minus strand). VCF-style: chr2-178667236-C-T. GRCh37 (hg19) VCF-style: chr2-179531963-C-T.
Other names: c.13283-24919G>A (NM_003319.4); c.13859-24919G>A (NM_133437.4); c.13658-24919G>A (NM_133432.3); c.31483+2982G>A (NM_133378.4); c.34264+2982G>A (NM_001256850.1); short protein forms E11933K.
Identifiers: ClinVar variation 574778 (VCV000574778.10), dbSNP rs769110483, ClinGen allele CA60975928.

ClinVar aggregate classification (germline): Uncertain significance. Review status: criteria provided, multiple submitters, no conflicts (2 of 4 stars). 2 submissions from 2 submitters: Uncertain significance (2). Last evaluated 2026-07-14.

Conditions:
Autosomal recessive limb-girdle muscular dystrophy type 2J (LGMDR10). Also called: MUSCULAR DYSTROPHY, LIMB-GIRDLE, AUTOSOMAL RECESSIVE 10; Limb-girdle muscular dystrophy, type 2J. Identifiers: Orphanet 140922, MedGen C1837342, MONDO:0012127, OMIM 608807.
Dilated cardiomyopathy 1G (CMD1G). Identifiers: Orphanet 154, MedGen C1858763, MONDO:0011400, OMIM 604145.
TTN-related disorder. Also called: TTN-related condition; TTN-related disease; TTN-related disorders.

gnomAD v4.1: 39 of 1,593,940 alleles (0.0024%); highest among the groups gnomAD compares: Non-Finnish European, 0.0032%; no homozygotes.

Submissions (2):

PreventionGenetics, part of Exact Sciences
Classification: Uncertain significance for TTN-related condition. Last evaluated: 2026-07-14. Review status: criteria provided, single submitter. Criteria: ACMG Guidelines, 2015. Collection method: clinical testing. Allele origin: germline.
Comment: The TTN c.35797G>A variant is predicted to result in the amino acid substitution p.Glu11933Lys. To our knowledge, this variant has not been reported in the literature. This variant may also impact splicing based on prediction algorithms, but such predictions are not equivalent to functional evidence (SpliceAI, Jaganathan et al. 2019. PubMed ID: 30661751). This variant is reported in 0.0011% of alleles in individuals of European (Non-Finnish) descent in gnomAD. At this time, the clinical significance of this variant is uncertain due to the absence of conclusive functional and genetic evidence.

Labcorp Genetics (formerly Invitae), Labcorp
Classification: Uncertain significance for Dilated cardiomyopathy 1G; Autosomal recessive limb-girdle muscular dystrophy type 2J. Last evaluated: 2023-07-05. Review status: criteria provided, single submitter. Criteria: Invitae Variant Classification Sherloc (09022015). Collection method: clinical testing. Allele origin: germline.
Comment: In summary, the available evidence is currently insufficient to determine the role of this variant in disease. Therefore, it has been classified as a Variant of Uncertain Significance. This variant is located in the I band of TTN (PMID: 25589632). Variants in this region may be clinically relevant, but have not been definitively shown to cause cardiomyopathy or neuromuscular disease (PMID: 27493940, 32778822). This sequence change replaces glutamic acid, which is acidic and polar, with lysine, which is basic and polar, at codon 11933 of the TTN protein (p.Glu11933Lys). This variant also falls at the last nucleotide of exon 162, which is part of the consensus splice site for this exon. The frequency data for this variant in the population databases is considered unreliable, as metrics indicate poor data quality at this position in the gnomAD database. This variant has not been reported in the literature in individuals affected with TTN-related conditions. ClinVar contains an entry for this variant (Variation ID: 574778). Experimental studies and prediction algorithms are not available or were not evaluated, and the functional significance of this variant is currently unknown. Variants that disrupt the consensus splice site are a relatively common cause of aberrant splicing (PMID: 17576681, 9536098). Algorithms developed to predict the effect of sequence changes on RNA splicing suggest that this variant may disrupt the consensus splice site.

Literature cited by the submitters: PubMed 25589632 (cited by Labcorp Genetics (formerly Invitae), Labcorp); PubMed 27493940 (cited by Labcorp Genetics (formerly Invitae), Labcorp); PubMed 32778822 (cited by Labcorp Genetics (formerly Invitae), Labcorp); PubMed 17576681 (cited by Labcorp Genetics (formerly Invitae), Labcorp); PubMed 9536098 (cited by Labcorp Genetics (formerly Invitae), Labcorp).